The following is an entry in ClinVar:

NM_005477.3(HCN4):c.3059C>T (p.Thr1020Ile)

Gene: HCN4 (hyperpolarization activated cyclic nucleotide gated potassium channel 4; minus strand). Cytogenetic location: 15q24.1.
Variant type: single nucleotide variant.
Coding change: c.3059C>T on transcript NM_005477.3 (MANE Select); coding-DNA position 3059, C replaced by T.
Protein change: p.Thr1020Ile; replaces threonine 1020 with isoleucine.
Molecular consequence: missense variant.
Genome position (GRCh38, 1-based): chr15:73,323,034, G>A on the plus strand (C>T on the coding strand, the complement: HCN4 is on the minus strand). VCF-style: chr15-73323034-G-A. GRCh37 (hg19) VCF-style: chr15-73615375-G-A.
Other names: short protein forms T1020I.
Identifiers: ClinVar variation 570767 (VCV000570767.8), dbSNP rs764138171, ClinGen allele CA7648891.

ClinVar aggregate classification (germline): Uncertain significance (1 of 4 stars; one submission).

Conditions:
Brugada syndrome 8 (BRGDA8). Identifiers: Orphanet 130, MedGen C2751083, MONDO:0013148, OMIM 613123.

Allele frequency attached by ClinVar (database versions not stated): TOPMed below 0.00001; gnomAD 0.00001; ExAC 0.00005.

Submission:

Labcorp Genetics (formerly Invitae), Labcorp
Classification: Uncertain significance for Brugada syndrome 8. Last evaluated: 2024-04-18. Review status: criteria provided, single submitter. Criteria: Invitae Variant Classification Sherloc (09022015). Collection method: clinical testing. Allele origin: germline.
Comment: This sequence change replaces threonine, which is neutral and polar, with isoleucine, which is neutral and non-polar, at codon 1020 of the HCN4 protein (p.Thr1020Ile). The frequency data for this variant in the population databases is considered unreliable, as metrics indicate poor data quality at this position in the gnomAD database. This variant has not been reported in the literature in individuals affected with HCN4-related conditions. ClinVar contains an entry for this variant (Variation ID: 570767). Advanced modeling of protein sequence and biophysical properties (such as structural, functional, and spatial information, amino acid conservation, physicochemical variation, residue mobility, and thermodynamic stability) performed at Invitae indicates that this missense variant is not expected to disrupt HCN4 protein function with a negative predictive value of 95%. In summary, the available evidence is currently insufficient to determine the role of this variant in disease. Therefore, it has been classified as a Variant of Uncertain Significance.